The following is an entry in ClinVar:

ClinVar aggregate classification (germline): Pathogenic (1 of 4 stars; one submission).

Conditions:
Joubert syndrome. Also called: CEREBELLOPARENCHYMAL DISORDER IV; JOUBERT-BOLTSHAUSER SYNDROME; Familial aplasia of the vermis. Identifiers: Orphanet 475, MedGen C5979921, MONDO:0018772.
Meckel-Gruber syndrome. Also called: DYSENCEPHALIA SPLANCHNOCYSTICA; GRUBER SYNDROME; Dysencephalia splachnocystica. Identifiers: Orphanet 564, MedGen C0265215, MONDO:0018921.

Submission:

Labcorp Genetics (formerly Invitae), Labcorp
Classification: Pathogenic for Joubert syndrome; Meckel-Gruber syndrome. Last evaluated: 2022-02-28. Review status: criteria provided, single submitter. Criteria: Invitae Variant Classification Sherloc (09022015). Collection method: clinical testing. Allele origin: germline.
Comment: For these reasons, this variant has been classified as Pathogenic. This variant disrupts a region of the CC2D2A protein in which other variant(s) (p.Glu1126Lys) have been determined to be pathogenic (PMID: 22425360, 23012439). This suggests that this is a clinically significant region of the protein, and that variants that disrupt it are likely to be disease-causing. This variant has not been reported in the literature in individuals affected with CC2D2A-related conditions. This variant is a gross deletion of the genomic region encompassing exon(s) 26-27 of the CC2D2A gene. This variant would be expected to be in-frame, preserving the integrity of the reading frame.

Literature cited by the submitters: PubMed 22425360; PubMed 23012439.

NC_000004.11:g.(?_15568980)_(15569429_?)del

Gene: CC2D2A (coiled-coil and C2 domain containing 2A; plus strand). Cytogenetic location: 4p15.32.
Variant type: Deletion.
Identifiers: ClinVar variation 2423659 (VCV002423659.6).